The following is an entry in ClinVar:

NM_000143.4(FH):c.92C>A (p.Ala31Glu)

Gene: FH (fumarate hydratase; minus strand). Cytogenetic location: 1q43.
Variant type: single nucleotide variant.
Coding change: c.92C>A on transcript NM_000143.4 (MANE Select); coding-DNA position 92, C replaced by A.
Protein change: p.Ala31Glu; replaces alanine 31 with glutamic acid.
Molecular consequence: missense variant.
Genome position (GRCh38, 1-based): chr1:241,519,631, G>T on the plus strand (C>A on the coding strand, the complement: FH is on the minus strand). VCF-style: chr1-241519631-G-T. GRCh37 (hg19) VCF-style: chr1-241682931-G-T.
Other names: c.92C>A (NM_000143.3); short protein forms A31E.
Identifiers: ClinVar variation 1006844 (VCV001006844.10), dbSNP rs876659347, ClinGen allele CA345442727.

ClinVar aggregate classification (germline): Uncertain significance. Review status: criteria provided, multiple submitters, no conflicts (2 of 4 stars). 2 submissions from 2 submitters: Uncertain significance (2). Last evaluated 2025-08-01.

Conditions:
Hereditary cancer-predisposing syndrome. Also called: Hereditary neoplastic syndrome; Neoplastic Syndromes, Hereditary; Tumor predisposition; Hereditary Cancer Syndrome. Identifiers: Orphanet 140162, MedGen C0027672, MeSH D009386, MONDO:0015356.

Submissions (2):

Ambry Genetics
Classification: Uncertain significance for Hereditary cancer-predisposing syndrome. Last evaluated: 2025-08-01. Review status: criteria provided, single submitter. Criteria: Ambry Variant Classification Scheme 2023. Collection method: clinical testing. Allele origin: germline.
Comment: The p.A31E variant (also known as c.92C>A), located in coding exon 1 of the FH gene, results from a C to A substitution at nucleotide position 92. The alanine at codon 31 is replaced by glutamic acid, an amino acid with dissimilar properties. This amino acid position is conserved. In addition, the in silico prediction for this alteration is inconclusive. Based on the available evidence, the clinical significance of this variant remains unclear.

Labcorp Genetics (formerly Invitae), Labcorp
Classification: Uncertain significance. Last evaluated: 2022-06-13. Review status: criteria provided, single submitter. Criteria: Invitae Variant Classification Sherloc (09022015). Collection method: clinical testing. Allele origin: germline.
Comment: In summary, the available evidence is currently insufficient to determine the role of this variant in disease. Therefore, it has been classified as a Variant of Uncertain Significance. Advanced modeling of protein sequence and biophysical properties (such as structural, functional, and spatial information, amino acid conservation, physicochemical variation, residue mobility, and thermodynamic stability) performed at Invitae indicates that this missense variant is not expected to disrupt FH protein function. ClinVar contains an entry for this variant (Variation ID: 1006844). This variant has not been reported in the literature in individuals affected with FH-related conditions. This variant is not present in population databases (gnomAD no frequency). This sequence change replaces alanine, which is neutral and non-polar, with glutamic acid, which is acidic and polar, at codon 31 of the FH protein (p.Ala31Glu).